The following is an entry in ClinVar:

ClinVar aggregate classification (germline): Uncertain significance. Review status: criteria provided, multiple submitters, no conflicts (2 of 4 stars). 4 submissions from 4 submitters: Uncertain significance (4). Last evaluated 2025-01-13.

Conditions:
Hennekam lymphangiectasia-lymphedema syndrome 2 (HKLLS2). Identifiers: Orphanet 2136, MedGen C4014939, MONDO:0014454, OMIM 616006.
Van Maldergem syndrome 2 (VMLDS2). Identifiers: Orphanet 314679, MedGen C3809875, MONDO:0014242, OMIM 615546.

Allele frequency attached by ClinVar (database versions not stated): TOPMed 0.00014; 1000 Genomes Project 30x 0.00016; gnomAD 0.00016; ExAC 0.00017; 1000 Genomes Project 0.00020; gnomAD exomes 0.00022; ESP Exome Variant Server 0.00034.
gnomAD v4.1: 594 of 1,614,036 alleles (0.037%); highest among the groups gnomAD compares: Non-Finnish European, 0.049%; no homozygotes.

Submissions (4):

Labcorp Genetics (formerly Invitae), Labcorp
Classification: Uncertain significance. Last evaluated: 2025-01-13. Review status: criteria provided, single submitter. Criteria: Invitae Variant Classification Sherloc (09022015). Collection method: clinical testing. Allele origin: germline.
Comment: This sequence change replaces isoleucine, which is neutral and non-polar, with threonine, which is neutral and polar, at codon 1390 of the FAT4 protein (p.Ile1390Thr). This variant is present in population databases (rs201934636, gnomAD 0.04%). This missense change has been observed in individual(s) with central conducting lymphatic anomaly (PMID: 37264205). ClinVar contains an entry for this variant (Variation ID: 1009702). Invitae Evidence Modeling of protein sequence and biophysical properties (such as structural, functional, and spatial information, amino acid conservation, physicochemical variation, residue mobility, and thermodynamic stability) indicates that this missense variant is expected to disrupt FAT4 protein function with a positive predictive value of 80%. In summary, the available evidence is currently insufficient to determine the role of this variant in disease. Therefore, it has been classified as a Variant of Uncertain Significance.

Fulgent Genetics
Classification: Uncertain significance for Van Maldergem syndrome 2; Hennekam lymphangiectasia-lymphedema syndrome 2. Last evaluated: 2024-04-17. Review status: criteria provided, single submitter. Criteria: ACMG Guidelines, 2015. Collection method: clinical testing. Allele origin: germline.

GeneDx
Classification: Uncertain significance. Last evaluated: 2020-09-30. Review status: criteria provided, single submitter. Criteria: GeneDx Variant Classification Process June 2021. Collection method: clinical testing. Allele origin: germline. Affected: yes.
Comment: In silico analysis supports that this missense variant has a deleterious effect on protein structure/function; Has not been previously published as pathogenic or benign to our knowledge

Seattle Children's Hospital Molecular Genetics Laboratory, Seattle Children's Hospital
Classification: Uncertain significance. Last evaluated: 2020-05-26. Review status: criteria provided, single submitter. Criteria: ACMG Guidelines, 2015. Collection method: clinical testing. Allele origin: germline. Affected: yes.
Comment: The p.Ile1390Thr (c.4169T>C, rs201934636) variant in exon 2 of FAT4 substitutes the isoleucine at position 1390 with threonine. This variant has not been reported as a pathogenic change in the medical literature or patient databases (Human Gene Mutation Database nor ClinGen). This variant is present in large population cohorts at a very low frequency (57 of 280,666 alleles; Genome Aggregation Database v2.1; GRCh37 chr4:126241735). This is a semi-conserved residue and some in silico tools predict this change is damaging (DANN, EIGEN, FATHMM-MKL, M-CAP, MutationAssessor, MutationTaster, PrimateAI and SIFT), while others predict this change is tolerated (DEOGEN2, MVP and REVEL).

Literature cited by the submitters: PubMed 37264205 (cited by Labcorp Genetics (formerly Invitae), Labcorp).

NM_001291303.3(FAT4):c.4169T>C (p.Ile1390Thr)

Gene: FAT4 (FAT atypical cadherin 4; plus strand). Cytogenetic location: 4q28.1.
Variant type: single nucleotide variant.
Coding change: c.4169T>C on transcript NM_001291303.3 (MANE Select); coding-DNA position 4169, T replaced by C.
Protein change: p.Ile1390Thr; replaces isoleucine 1390 with threonine.
Molecular consequence: missense variant.
Genome position (GRCh38, 1-based): chr4:125,320,580, T>C. VCF-style: chr4-125320580-T-C. GRCh37 (hg19) VCF-style: chr4-126241735-T-C.
Other names: c.4169T>C, p.Ile1390Thr (NM_001291285.3, NM_024582.6); c.4169T>C (NM_024582.5); short protein forms I1390T.
Identifiers: ClinVar variation 1009702 (VCV001009702.7), dbSNP rs201934636, ClinGen allele CA3072422.
Genomic context (GRCh38, chr4:125,320,580, plus strand): 5'-GGAGTATTTTTCTTGCCAAAAAACTGGACTTTGAAACACAGTCTTTGTATAAATTAAATA[T>C]AACAGCAAAAGACCAAGGAAGACCTCCTCGTTCATCTACAATGTCAGTGGTTATTCACGT-3'
Protein context (NP_001278232.1, residues 1380-1400): FETQSLYKLN[Ile1390Thr]TAKDQGRPPR